The following is an entry in ClinVar:

ClinVar aggregate classification (germline): Uncertain significance (1 of 4 stars; one submission).

gnomAD v4.1: 1 of 1,613,608 alleles (0.000062%); highest among the groups gnomAD compares: African/African-American, 0.0013%; no homozygotes.

Submission:

Labcorp Genetics (formerly Invitae), Labcorp
Classification: Uncertain significance. Last evaluated: 2025-12-16. Review status: criteria provided, single submitter. Criteria: Invitae Variant Classification Sherloc (09022015). Collection method: clinical testing. Allele origin: germline.
Comment: This sequence change replaces lysine, which is basic and polar, with threonine, which is neutral and polar, at codon 1044 of the SLC12A6 protein (p.Lys1044Thr). This variant is not present in population databases (gnomAD no frequency). This variant has not been reported in the literature in individuals affected with SLC12A6-related conditions. Invitae Evidence Modeling of protein sequence and biophysical properties (such as structural, functional, and spatial information, amino acid conservation, physicochemical variation, residue mobility, and thermodynamic stability) indicates that this missense variant is not expected to disrupt SLC12A6 protein function with a negative predictive value of 95%. In summary, the available evidence is currently insufficient to determine the role of this variant in disease. Therefore, it has been classified as a Variant of Uncertain Significance.

NM_001365088.1(SLC12A6):c.3131A>C (p.Lys1044Thr)

Gene: SLC12A6 (solute carrier family 12 member 6; minus strand). Cytogenetic location: 15q14.
Variant type: single nucleotide variant.
Coding change: c.3131A>C on transcript NM_001365088.1 (MANE Select); coding-DNA position 3131, A replaced by C.
Protein change: p.Lys1044Thr; replaces lysine 1044 with threonine.
Molecular consequence: missense variant.
Genome position (GRCh38, 1-based): chr15:34,236,111, T>G on the plus strand (A>C on the coding strand, the complement: SLC12A6 is on the minus strand). VCF-style: chr15-34236111-T-G. GRCh37 (hg19) VCF-style: chr15-34528312-T-G.
Other names: c.2954A>C, p.Lys985Thr (NM_001042494.2, NM_001042495.2); c.3104A>C, p.Lys1035Thr (NM_001042496.2); c.3086A>C, p.Lys1029Thr (NM_001042497.2); c.2978A>C, p.Lys993Thr (NM_005135.2); c.3131A>C, p.Lys1044Thr (NM_133647.2); short protein forms K1035T, K985T, K1029T, K1044T, K993T.
Identifiers: ClinVar variation 4699413 (VCV004699413.1).